The following is an entry in ClinVar:

NM_006996.3(SLC19A2):c.673C>T (p.Gln225Ter)

Gene: SLC19A2 (solute carrier family 19 member 2; minus strand). Cytogenetic location: 1q24.2.
Variant type: single nucleotide variant.
Coding change: c.673C>T on transcript NM_006996.3 (MANE Select); coding-DNA position 673, C replaced by T.
Protein change: p.Gln225Ter; replaces glutamine 225 with a stop codon.
Molecular consequence: nonsense. On other transcripts: intron variant (1).
Genome position (GRCh38, 1-based): chr1:169,477,289, G>A on the plus strand (C>T on the coding strand, the complement: SLC19A2 is on the minus strand). VCF-style: chr1-169477289-G-A. GRCh37 (hg19) VCF-style: chr1-169446527-G-A.
Other names: c.205-7103C>T (NM_001319667.1); short protein forms Q225*.
Identifiers: ClinVar variation 2750526 (VCV002750526.3), dbSNP rs2526256135, ClinGen allele CA343109989.

ClinVar aggregate classification (germline): Pathogenic (1 of 4 stars; one submission).

Submission:

Labcorp Genetics (formerly Invitae), Labcorp
Classification: Pathogenic. Last evaluated: 2023-08-16. Review status: criteria provided, single submitter. Criteria: Invitae Variant Classification Sherloc (09022015). Collection method: clinical testing. Allele origin: germline.
Comment: This variant is not present in population databases (gnomAD no frequency). This variant has not been reported in the literature in individuals affected with SLC19A2-related conditions. For these reasons, this variant has been classified as Pathogenic. This sequence change creates a premature translational stop signal (p.Gln225*) in the SLC19A2 gene. It is expected to result in an absent or disrupted protein product. Loss-of-function variants in SLC19A2 are known to be pathogenic (PMID: 10391221, 10391223, 10874303).

Literature cited by the submitters: PubMed 10391221; PubMed 10391223; PubMed 10874303.